The following is an entry in ClinVar:

NM_001844.5(COL2A1):c.997G>A (p.Gly333Arg)

Gene: COL2A1 (collagen type II alpha 1 chain; minus strand). Cytogenetic location: 12q13.11.
Variant type: single nucleotide variant.
Coding change: c.997G>A on transcript NM_001844.5 (MANE Select); coding-DNA position 997, G replaced by A.
Protein change: p.Gly333Arg; replaces glycine 333 with arginine.
Molecular consequence: missense variant.
Genome position (GRCh38, 1-based): chr12:47,992,904, C>T on the plus strand (G>A on the coding strand, the complement: COL2A1 is on the minus strand). VCF-style: chr12-47992904-C-T. GRCh37 (hg19) VCF-style: chr12-48386687-C-T.
Other names: c.790G>A, p.Gly264Arg (NM_033150.3); short protein forms G264R, G333R.
Identifiers: ClinVar variation 2739222 (VCV002739222.4), dbSNP rs2540165606, ClinGen allele CA384555643.

ClinVar aggregate classification (germline): Likely pathogenic. Review status: criteria provided, multiple submitters, no conflicts (2 of 4 stars). 2 submissions from 2 submitters: Likely pathogenic (2). Last evaluated 2025-05-06.

Submissions (2):

Revvity Omics, Revvity
Classification: Likely pathogenic. Last evaluated: 2025-05-06. Review status: criteria provided, single submitter. Criteria: ACMG Guidelines, 2015. Collection method: clinical testing. Allele origin: germline.

Labcorp Genetics (formerly Invitae), Labcorp
Classification: Likely pathogenic. Last evaluated: 2023-11-16. Review status: criteria provided, single submitter. Criteria: Invitae Variant Classification Sherloc (09022015). Collection method: clinical testing. Allele origin: germline.
Comment: This sequence change replaces glycine, which is neutral and non-polar, with arginine, which is basic and polar, at codon 333 of the COL2A1 protein (p.Gly333Arg). This variant is not present in population databases (gnomAD no frequency). This variant has not been reported in the literature in individuals affected with COL2A1-related conditions. Advanced modeling of protein sequence and biophysical properties (such as structural, functional, and spatial information, amino acid conservation, physicochemical variation, residue mobility, and thermodynamic stability) performed at Invitae indicates that this missense variant is expected to disrupt COL2A1 protein function with a positive predictive value of 95%. This variant disrupts the triple helix domain of COL2A1. Glycine residues within the Gly-Xaa-Yaa repeats of the triple helix domain are required for the structure and stability of fibrillar collagens (PMID: 7695699, 8218237, 19344236). In COL2A1, variants affecting these glycine residues are significantly enriched in individuals with disease (PMID: 9016532, 17078022) compared to the general population (ExAC). In summary, the currently available evidence indicates that the variant is pathogenic, but additional data are needed to prove that conclusively. Therefore, this variant has been classified as Likely Pathogenic.

Literature cited by the submitters: PubMed 7695699 (cited by Labcorp Genetics (formerly Invitae), Labcorp); PubMed 8218237 (cited by Labcorp Genetics (formerly Invitae), Labcorp); PubMed 19344236 (cited by Labcorp Genetics (formerly Invitae), Labcorp); PubMed 9016532 (cited by Labcorp Genetics (formerly Invitae), Labcorp); PubMed 17078022 (cited by Labcorp Genetics (formerly Invitae), Labcorp).